The following is an entry in ClinVar:

ClinVar aggregate classification (germline): Uncertain significance. Review status: criteria provided, multiple submitters, no conflicts (2 of 4 stars). 3 submissions from 3 submitters: Uncertain significance (3). Last evaluated 2024-07-26.

Allele frequency attached by ClinVar (database versions not stated): ExAC 0.00001; gnomAD 0.00002; gnomAD exomes 0.00003; TOPMed 0.00003; ESP Exome Variant Server 0.00008.
gnomAD v4.1: 44 of 1,613,724 alleles (0.0027%); highest among the groups gnomAD compares: African/African-American, 0.0053%; no homozygotes.

Submissions (3):

Ambry Genetics
Classification: Uncertain significance. Last evaluated: 2024-07-26. Review status: criteria provided, single submitter. Criteria: Ambry Variant Classification Scheme 2023. Collection method: clinical testing. Allele origin: germline.

GeneDx
Classification: Uncertain significance. Last evaluated: 2024-05-22. Review status: criteria provided, single submitter. Criteria: GeneDx Variant Classification Process June 2021. Collection method: clinical testing. Allele origin: germline. Affected: yes.
Comment: Not observed at significant frequency in large population cohorts (gnomAD); In silico analysis supports that this missense variant has a deleterious effect on protein structure/function; Has not been previously published as pathogenic or benign to our knowledge

Labcorp Genetics (formerly Invitae), Labcorp
Classification: Uncertain significance. Last evaluated: 2024-03-04. Review status: criteria provided, single submitter. Criteria: Invitae Variant Classification Sherloc (09022015). Collection method: clinical testing. Allele origin: germline.
Comment: This sequence change replaces arginine, which is basic and polar, with histidine, which is basic and polar, at codon 135 of the ATP6V1E1 protein (p.Arg135His). This variant is present in population databases (rs377047811, gnomAD 0.004%). This variant has not been reported in the literature in individuals affected with ATP6V1E1-related conditions. An algorithm developed to predict the effect of missense changes on protein structure and function (PolyPhen-2) suggests that this variant is likely to be tolerated. In summary, the available evidence is currently insufficient to determine the role of this variant in disease. Therefore, it has been classified as a Variant of Uncertain Significance.

NM_001696.4(ATP6V1E1):c.404G>A (p.Arg135His)

Gene: ATP6V1E1 (ATPase H+ transporting V1 subunit E1; minus strand). Cytogenetic location: 22q11.21.
Variant type: single nucleotide variant.
Coding change: c.404G>A on transcript NM_001696.4 (MANE Select); coding-DNA position 404, G replaced by A.
Protein change: p.Arg135His; replaces arginine 135 with histidine.
Molecular consequence: missense variant.
Genome position (GRCh38, 1-based): chr22:17,600,058, C>T on the plus strand (G>A on the coding strand, the complement: ATP6V1E1 is on the minus strand). VCF-style: chr22-17600058-C-T. GRCh37 (hg19) VCF-style: chr22-18082824-C-T.
Other names: c.338G>A, p.Arg113His (NM_001039366.1); c.314G>A, p.Arg105His (NM_001039367.1); c.404G>A (NM_001696.3); short protein forms R113H, R105H, R135H.
Identifiers: ClinVar variation 2985771 (VCV002985771.5), dbSNP rs377047811, ClinGen allele CA10090117.